The following is an entry in ClinVar:

NM_003227.4(TFR2):c.572T>C (p.Val191Ala)

Gene: TFR2 (transferrin receptor 2; minus strand). Cytogenetic location: 7q22.1.
Variant type: single nucleotide variant.
Coding change: c.572T>C on transcript NM_003227.4 (MANE Select); coding-DNA position 572, T replaced by C.
Protein change: p.Val191Ala; replaces valine 191 with alanine.
Molecular consequence: missense variant.
Genome position (GRCh38, 1-based): chr7:100,633,458, A>G on the plus strand (T>C on the coding strand, the complement: TFR2 is on the minus strand). VCF-style: chr7-100633458-A-G. GRCh37 (hg19) VCF-style: chr7-100231081-A-G.
Other names: c.59T>C, p.Val20Ala (NM_001206855.3); c.572T>C (NM_003227.3); short protein forms V191A, V20A.
Identifiers: ClinVar variation 2068171 (VCV002068171.2), dbSNP rs776558626, ClinGen allele CA4386796.

ClinVar aggregate classification (germline): Uncertain significance. Review status: criteria provided, multiple submitters, no conflicts (2 of 4 stars). 2 submissions from 2 submitters: Uncertain significance (2). Last evaluated 2025-04-12.

Conditions:
Inborn genetic diseases. Identifiers: MedGen C0950123, MeSH D030342.
Hereditary hemochromatosis (HFE). Identifiers: MedGen C0392514, MONDO:0006507. Disease mechanism: loss of function.

Allele frequency attached by ClinVar (database versions not stated): gnomAD exomes 0.00008; ExAC 0.00002; TOPMed 0.00004; gnomAD 0.00001.
gnomAD v4.1: 109 of 1,612,808 alleles (0.0068%); highest among the groups gnomAD compares: Non-Finnish European, 0.0091%; no homozygotes.

Submissions (2):

Ambry Genetics
Classification: Uncertain significance for Inborn genetic diseases. Last evaluated: 2025-04-12. Review status: criteria provided, single submitter. Criteria: Ambry Variant Classification Scheme 2023. Collection method: clinical testing. Allele origin: germline.

Labcorp Genetics (formerly Invitae), Labcorp
Classification: Uncertain significance for Hereditary hemochromatosis. Last evaluated: 2021-12-27. Review status: criteria provided, single submitter. Criteria: Invitae Variant Classification Sherloc (09022015). Collection method: clinical testing. Allele origin: germline.
Comment: This sequence change replaces valine, which is neutral and non-polar, with alanine, which is neutral and non-polar, at codon 191 of the TFR2 protein (p.Val191Ala). This variant is present in population databases (rs776558626, gnomAD 0.007%). This variant has not been reported in the literature in individuals affected with TFR2-related conditions. Algorithms developed to predict the effect of missense changes on protein structure and function are either unavailable or do not agree on the potential impact of this missense change (SIFT: "Deleterious"; PolyPhen-2: "Benign"; Align-GVGD: "Class C0"). In summary, the available evidence is currently insufficient to determine the role of this variant in disease. Therefore, it has been classified as a Variant of Uncertain Significance.